The following is an entry in ClinVar:

ClinVar aggregate classification (germline): Uncertain significance (1 of 4 stars; one submission).

gnomAD v4.1: 2 of 1,551,236 alleles (0.00013%); no homozygotes.

Submission:

Labcorp Genetics (formerly Invitae), Labcorp
Classification: Uncertain significance. Last evaluated: 2022-06-08. Review status: criteria provided, single submitter. Criteria: Invitae Variant Classification Sherloc (09022015). Collection method: clinical testing. Allele origin: germline.
Comment: This sequence change replaces serine, which is neutral and polar, with asparagine, which is neutral and polar, at codon 1338 of the EYS protein (p.Ser1338Asn). This variant is not present in population databases (gnomAD no frequency). This variant has not been reported in the literature in individuals affected with EYS-related conditions. Algorithms developed to predict the effect of missense changes on protein structure and function output the following: SIFT: "Tolerated"; PolyPhen-2: "Benign"; Align-GVGD: "Class C0". The asparagine amino acid residue is found in multiple mammalian species, which suggests that this missense change does not adversely affect protein function. In summary, the available evidence is currently insufficient to determine the role of this variant in disease. Therefore, it has been classified as a Variant of Uncertain Significance.

NM_001142800.2(EYS):c.4013G>A (p.Ser1338Asn)

Gene: EYS (eyes shut homolog; minus strand). Cytogenetic location: 6q12.
Variant type: single nucleotide variant.
Coding change: c.4013G>A on transcript NM_001142800.2 (MANE Select); coding-DNA position 4013, G replaced by A.
Protein change: p.Ser1338Asn; replaces serine 1338 with asparagine.
Molecular consequence: missense variant.
Genome position (GRCh38, 1-based): chr6:64,591,854, C>T on the plus strand (G>A on the coding strand, the complement: EYS is on the minus strand). VCF-style: chr6-64591854-C-T. GRCh37 (hg19) VCF-style: chr6-65301747-C-T.
Other names: c.4013G>A, p.Ser1338Asn (NM_001292009.2); short protein forms S1338N.
Identifiers: ClinVar variation 2158297 (VCV002158297.1), dbSNP rs939559130, ClinGen allele CA140340979.